The following is an entry in ClinVar:

NM_000535.7(PMS2):c.23+1G>T

Gene: PMS2 (PMS1 homolog 2, mismatch repair system component; minus strand). Cytogenetic location: 7p22.1.
Variant type: single nucleotide variant.
Coding change: c.23+1G>T on transcript NM_000535.7 (MANE Select); the canonical splice donor site of the intron after coding-DNA position 23, G replaced by T.
Molecular consequence: splice donor variant. On other transcripts: 5 prime UTR variant (8).
Genome position (GRCh38, 1-based): chr7:6,008,996, C>A on the plus strand (G>T on the coding strand, the complement: PMS2 is on the minus strand). VCF-style: chr7-6008996-C-A. GRCh37 (hg19) VCF-style: chr7-6048627-C-A.
Other names: c.-572G>T (NM_001322005.2); c.-567G>T (NM_001322009.2, NM_001406897.1); c.-651G>T (NM_001406875.1, NM_001406882.1); c.-818G>T (NM_001406877.1); c.-519G>T (NM_001406894.1); c.-554G>T (NM_001406898.1); c.-53+1G>T (NM_001322008.2); c.-219+1G>T (NM_001406881.1); and 19 more.
Identifiers: ClinVar variation 141871 (VCV000141871.23), dbSNP rs587782074, ClinGen allele CA011233.
Genomic context (GRCh38, chr7:6,008,996, plus strand): 5'-GCCGTGGGTCTCAAAGAGGGCGCGCGAGAGGGGACACCGGAAGACTGCGAGCCCCGCTCA[C>A]CTCGAGCTCTCAGCTCGCTCCATGGATGCAACACCCGATCCGCCTCGGGGACTGGGAAAG-3'

ClinVar aggregate classification (germline): Pathogenic/Likely pathogenic. Review status: criteria provided, multiple submitters, no conflicts (2 of 4 stars). 8 submissions from 8 submitters: Pathogenic (1); Likely pathogenic (7). Last evaluated 2025-12-03.

Conditions:
Mismatch repair cancer syndrome 4. Identifiers: MedGen C5436817, MONDO:0030843, OMIM 619101.
Lynch syndrome 4 (LYNCH4). Also called: Colorectal cancer, hereditary nonpolyposis, type 4; Hereditary non-polyposis colorectal cancer, type 4. Identifiers: Orphanet 144, MedGen C1838333, MONDO:0013699, OMIM 614337. Disease mechanism: loss of function.
Hereditary nonpolyposis colorectal neoplasms. Identifiers: MedGen C0009405, MeSH D003123.
Hereditary cancer-predisposing syndrome. Also called: Neoplastic Syndromes, Hereditary; Tumor predisposition; Hereditary Cancer Syndrome; Hereditary neoplastic syndrome. Identifiers: Orphanet 140162, MedGen C0027672, MeSH D009386, MONDO:0015356.
Lynch syndrome. Identifiers: Orphanet 144, MedGen C4552100, MONDO:0005835. Disease mechanism: loss of function.

Allele frequency attached by ClinVar (database versions not stated): gnomAD exomes below 0.00001 and 0.00002; gnomAD 0.00001; TOPMed 0.00001; ExAC 0.00002.
gnomAD v4.1: 2 of 1,612,548 alleles (0.00012%); highest among the groups gnomAD compares: African/African-American, 0.0013%; no homozygotes.

Submissions (8):

Ambry Genetics
Classification: Likely pathogenic for Hereditary cancer-predisposing syndrome. Last evaluated: 2025-12-03. Review status: criteria provided, single submitter. Criteria: Ambry Variant Classification Scheme 2023. Collection method: clinical testing. Allele origin: germline.
Comment: The c.23+1G>T intronic variant results from a G to T substitution one nucleotide after coding exon 1 of the PMS2 gene. This variant has been identified in a proband(s) whose Lynch syndrome-associated tumor demonstrated high microsatellite instability and/or loss of PMS2 expression by immunohistochemistry (Li S et al. J. Med. Genet. 2020 Jan;57:62-69; Ambry internal data). In silico splice site analysis predicts that this alteration will weaken the native splice donor site and may result in the creation or strengthening of a novel splice donor site. The stop codon in the predicted resulting transcript occurs in the 5' end ofthe PMS2 gene. As such, this alteration may escape nonsense-mediated mRNAdecay and/or be prone to rescue by reinitiation (Rivas et al. Science. 2015 May 8;348(6235):666-9; Lindeboom et al. Nat Genet. 2016 Oct;48(10):1112-8; Rhee et al. Sci Rep. 2017 May 10;7(1):1653). The exact functional effect of this alteration is unknown; however, the impacted region is critical for protein function (Ambry internal data). This nucleotide position is highly conserved in available vertebrate species. As such, this alteration is classified as likely pathogenic.

Labcorp Genetics (formerly Invitae), Labcorp
Classification: Likely pathogenic for Hereditary nonpolyposis colorectal neoplasms. Last evaluated: 2025-05-05. Review status: criteria provided, single submitter. Criteria: Invitae Variant Classification Sherloc (09022015). Collection method: clinical testing. Allele origin: germline.
Comment: This sequence change affects a donor splice site in intron 1 of the PMS2 gene. It is expected to disrupt RNA splicing. Variants that disrupt the donor or acceptor splice site typically lead to a loss of protein function (PMID: 16199547), and loss-of-function variants in PMS2 are known to be pathogenic (PMID: 21376568, 24362816). This variant is present in population databases (rs587782074, gnomAD 0.02%). Disruption of this splice site has been observed in individual(s) with clinical features of Lynch syndrome and/or paraganglioma (PMID: 29625052, 36451132; internal data). ClinVar contains an entry for this variant (Variation ID: 141871). Algorithms developed to predict the effect of sequence changes on RNA splicing suggest that this variant may disrupt the consensus splice site. In summary, the currently available evidence indicates that the variant is pathogenic, but additional data are needed to prove that conclusively. Therefore, this variant has been classified as Likely Pathogenic.

Fulgent Genetics
Classification: Likely pathogenic for Lynch syndrome 4; Mismatch repair cancer syndrome 4. Last evaluated: 2024-05-21. Review status: criteria provided, single submitter. Criteria: ACMG Guidelines, 2015. Collection method: clinical testing. Allele origin: germline.

All of Us Research Program, National Institutes of Health
Classification: Likely pathogenic for Lynch syndrome. Last evaluated: 2024-03-28. Review status: criteria provided, single submitter. Criteria: ACMG Guidelines, 2015. Collection method: clinical testing. Allele origin: germline. Inheritance: Autosomal dominant inheritance. Observed: 1 variant allele, 1 heterozygote.
Comment: The c.23+1G>T variant in the PMS2 gene is located at the canonical splice site of intron 1 and is predicted to inflict donor loss (SpliceAI delta score: 0.99), resulting in alternative splicing and disrupted protein product. The variant has been reported in an individual with paraganglioma (PMID: 29625052). Loss-of-function variants in PMS2 are known to be pathogenic (PMID: 28514183, 25512458, 35223509). The variant is reported in ClinVar (ID: 141871). Variants affecting the same donor splice site including c.23+1G>C, c.23+1G>A, c.23+2T>G, c.23+2T>A have also been reported as likely pathogenic in ClinVar (ClinVar ID: 821062, 1195870, 1517684, 1789279). This variant is rare in the general population according to gnomAD (4/250350 chromosomes). Therefore, the c.23+1G>T variant in the PMS2 gene has been classified as likely pathogenic.

This study involves interpretation of variants in research participants for the purpose of population health screening. Participant phenotype was not available at the time of variant classification. Additional details can be found in publication PMID: 35346344, PMCID: PMC8962531

Human Genome Sequencing Center Clinical Lab, Baylor College of Medicine
Classification: Likely pathogenic for Lynch syndrome. Last evaluated: 2023-11-16. Review status: criteria provided, single submitter. Criteria: ACMG Guidelines, 2015. Collection method: clinical testing. Allele origin: unknown.
Comment: The c.23+1G>T variant in the PMS2 gene is located at the canonical splice site of intron 1 and is predicted to inflict donor loss (SpliceAI delta score: 0.99), resulting in alternative splicing and disrupted protein product. The variant has been reported in an individual with paraganglioma (PMID: 29625052). Loss-of-function variants in PMS2 are known to be pathogenic (PMID: 28514183, 25512458, 35223509). The variant is reported in ClinVar (ID: 141871). Variants affecting the same donor splice site including c.23+1G>C, c.23+1G>A, c.23+2T>G, c.23+2T>A have also been reported as likely pathogenic in ClinVar (ClinVar ID: 821062, 1195870, 1517684, 1789279). This variant is rare in the general population according to gnomAD (4/250350 chromosomes). Therefore, the c.23+1G>T variant in the PMS2 gene has been classified as likely pathogenic.

Myriad Genetics, Inc.
Classification: Likely pathogenic for Lynch syndrome 4. Last evaluated: 2023-09-18. Review status: criteria provided, single submitter. Criteria: Myriad Autosomal Dominant, Autosomal Recessive and X-Linked Classification Criteria (2023). Collection method: clinical testing. Allele origin: unknown.
Comment: This variant is considered likely pathogenic. This variant occurs within a consensus splice junction and is predicted to result in abnormal mRNA splicing of either an out-of-frame exon or an in-frame exon necessary for protein stability and/or normal function.

Baylor Genetics
Classification: Likely pathogenic for Lynch syndrome 4. Last evaluated: 2022-06-26. Review status: criteria provided, single submitter. Criteria: ACMG Guidelines, 2015. Collection method: clinical testing. Allele origin: unknown.

GeneDx
Classification: Pathogenic. Last evaluated: 2017-09-13. Review status: criteria provided, single submitter. Criteria: GeneDx Variant Classification (06012015). Collection method: clinical testing. Allele origin: germline. Affected: yes.
Comment: This variant is denoted PMS2 c.23+1G>T or IVS1+1G>T and consists of a G>T nucleotide substitution at the +1 position of intron 1 of the PMS2 gene. This variant destroys a canonical splice donor site and is predicted to cause abnormal gene splicing, leading to either an abnormal message that is subject to nonsense-mediated mRNA decay or to an abnormal protein product. This variant was observed in at least one individual referred for hereditary cancer testing (LaDuca 2017). Based on the current evidence, we consider this variant to be pathogenic.

Literature cited by the submitters: PubMed 16199547 (cited by Labcorp Genetics (formerly Invitae), Labcorp); PubMed 21376568 (cited by Labcorp Genetics (formerly Invitae), Labcorp); PubMed 24362816 (cited by Labcorp Genetics (formerly Invitae), Labcorp); PubMed 29625052 (cited by Labcorp Genetics (formerly Invitae), Labcorp and All of Us Research Program, National Institutes of Health); PubMed 36451132 (cited by Labcorp Genetics (formerly Invitae), Labcorp); PubMed 25512458 (cited by All of Us Research Program, National Institutes of Health); PubMed 28514183 (cited by All of Us Research Program, National Institutes of Health); PubMed 35223509 (cited by All of Us Research Program, National Institutes of Health).